The following is an entry in ClinVar:

NM_000329.3(RPE65):c.272G>C (p.Arg91Pro)

Gene: RPE65 (retinoid isomerohydrolase RPE65; minus strand). Cytogenetic location: 1p31.3.
Variant type: single nucleotide variant.
Coding change: c.272G>C on transcript NM_000329.3 (MANE Select); coding-DNA position 272, G replaced by C.
Protein change: p.Arg91Pro; replaces arginine 91 with proline.
Molecular consequence: missense variant.
Genome position (GRCh38, 1-based): chr1:68,444,857, C>G on the plus strand (G>C on the coding strand, the complement: RPE65 is on the minus strand). VCF-style: chr1-68444857-C-G. GRCh37 (hg19) VCF-style: chr1-68910540-C-G.
Other names: NM_000329.3(RPE65):c.272G>C; short protein forms R91P.
Identifiers: ClinVar variation 98858 (VCV000098858.4), dbSNP rs61752873, ClinGen allele CA226534.

ClinVar aggregate classification (germline): Likely pathogenic. Review status: reviewed by expert panel (3 of 4 stars). 4 submissions from 4 submitters: Likely pathogenic (1). 3 of the submissions do not count toward it. Last evaluated 2025-06-11.

Conditions:
RPE65-related recessive retinopathy. Also called: Recessive RPE65 retinopathy. Identifiers: MedGen CN305526, MONDO:0100368.
Leber congenital amaurosis (LCA). Also called: Leber's amaurosis. Identifiers: Orphanet 65, MedGen C0339527, MeSH D057130, MONDO:0018998.
Leber congenital amaurosis 2 (LCA2). Also called: Autosomal Recessive RPE65-Related Retinal Degeneration; AMAUROSIS CONGENITA OF LEBER II. Identifiers: Orphanet 65, MedGen C1859844, MONDO:0008765, OMIM 204100. Disease mechanism: loss of function.

Submissions (4):

ClinGen Leber Congenital Amaurosis/early Onset Retinal Dystrophy Variant Curation Expert Panel, ClinGen
Classification: Likely pathogenic for RPE65-related recessive retinopathy. Last evaluated: 2025-06-11. Review status: reviewed by expert panel. Criteria: ClinGen LCAeoRD ACMG Specifications RPE65 V1.0.0. Collection method: curation. Allele origin: germline. Inheritance: Autosomal recessive inheritance.
Comment: NM_000329.3(RPE65):c.272G>C (p.Arg91Pro) is a missense variant predicted to replace arginine with proline at amino acid p.91. This residue is a well-characterized functional site that forms a salt bridge with glutamate 127 that is reportedly required for correct positioning of membrane-binding elements that mediate localization to the ER membrane (PMID: 19805034, PM1). Another missense variant in the same codon, NM_000329.3(RPE65):c.272G>A (p.Arg91Gln), has been classified as pathogenic for RPE65-related recessive retinopathy by the ClinGen LCA / eoRD VCEP. However, splicing prediction using SpliceAI indicated a likely splicing defect due to NM_000329.3(RPE65):c.272G>A (p.Arg91Gln) (score of 0.21 for acceptor loss) that was not predicted for the present variant (with a score of 0.12 for acceptor gain), so the PM5 code was not met. This variant is absent from gnomAD v4.1.0 (PM2_Supporting). This variant has been reported in at least 1 proband with early-onset severe retinal dystrophy who was compound heterozygous with the NM_000329.3(RPE65):c.430T>G (p.Tyr144Asp) variant confirmed in trans (1 point, PMID: 17724218) which was previously classified likely pathogenic by the ClinGen LCA / eoRD VCEP (1 total point, PM3). The variant has also been reported in a second proband with early-onset severe retinal dystrophy who was compound heterozygous with the NM_000329.3(RPE65):c.65T>C (p.Leu22Pro) variant suspected in trans (PMID: 32865313), which was not included in the PM3 code. At least one proband harboring this variant exhibits a phenotype including diagnosis of Leber congenital amaurosis (0.5 pts), light-gazing (1 pt), visual acuity limited to light perception (1 pt), nystagmus (1 pt), extinguished ERG responses from both rods (0.5 pts) and cones (1 pt), salt-and-pepper fundus (0.5 pts) with macular atrophy (0.5 pts), and absence of fundus autofluorescence (2 pts), which together are highly specific for RPE65-related recessive retinopathy (total 8 points, PMID: 17724218, PP4_Moderate). The computational predictor REVEL gives a score of 0.766, which is above the ClinGen LCA / eoRD VCEP threshold of ≥0.644 and predicts a damaging effect on RPE65 function (PP3). The splicing impact predictor SpliceAI gives a score of 0.12 for acceptor gain, which is below the ClinGen LCA / eoRD VCEP recommended threshold of ≥0.2 and does not strongly predict an impact on splicing. In summary, this variant meets the criteria to be classified as likely pathogenic for RPE65-related recessive retinopathy based on the ACMG/AMP criteria applied, as specified by the ClinGen LCA/eoRD VCEP: PM1, PM2_Supporting, PM3, PP3, and PP4_Moderate. (VCEP specifications version 1.0.0; date of approval 09/21/2023).

Natera, Inc.
Classification: Likely pathogenic for Leber congenital amaurosis. Last evaluated: 2024-11-12. Review status: criteria provided, single submitter. Criteria: Natera Variant Classification Schema (03/2026). Collection method: clinical testing. Allele origin: germline. Not counted in ClinVar's aggregate classification.
Comment: The c.272G>C variant in RPE65 is a missense variant predicted to cause substitution of arginine to proline at amino acid 91. This variant is rare in the general population with a frequency below the threshold expected for the associated phenotype(s). This variant has been observed in one or more individuals affected with the associated recessive disease, as either homozygous or compound heterozygous with a second variant (PMID: 35129589, 32865313). A different variant at the same position has been determined to be Pathogenic or Likely Pathogenic. Computational prediction algorithms indicate this variant is likely to affect gene or protein function. Given the available evidence, this variant is classified as Likely Pathogenic.

Laboratory of Genetics in Ophthalmology, Institut Imagine
Classification: Likely pathogenic for Leber congenital amaurosis 2. Review status: no assertion criteria provided. Collection method: research. Allele origin: inherited. Affected: yes. Observed: 1 variant allele. Not counted in ClinVar's aggregate classification.

Retina International
No classification provided. Review status: no classification provided. Collection method: not provided. Allele origin: not provided. Not counted in ClinVar's aggregate classification.

Literature cited by the submitters: PubMed 35129589 (cited by Natera, Inc.); PubMed 32865313 (cited by Natera, Inc.); PubMed 17724218 (cited by Laboratory of Genetics in Ophthalmology, Institut Imagine).